The following is an entry in ClinVar:

ClinVar aggregate classification (germline): Likely pathogenic (1 of 4 stars; one submission).

Allele frequency attached by ClinVar (database versions not stated): gnomAD 0.00001; TOPMed 0.00001.
gnomAD v4.1: 1 of 1,612,424 alleles (0.000062%); highest among the groups gnomAD compares: African/African-American, 0.0013%; no homozygotes.

Submission:

Labcorp Genetics (formerly Invitae), Labcorp
Classification: Likely pathogenic. Last evaluated: 2023-07-28. Review status: criteria provided, single submitter. Criteria: Invitae Variant Classification Sherloc (09022015). Collection method: clinical testing. Allele origin: germline.
Comment: This variant has not been reported in the literature in individuals affected with ITGB4-related conditions. Algorithms developed to predict the effect of sequence changes on RNA splicing suggest that this variant may disrupt the consensus splice site. This sequence change affects an acceptor splice site in intron 36 of the ITGB4 gene. It is expected to disrupt RNA splicing. Variants that disrupt the donor or acceptor splice site typically lead to a loss of protein function (PMID: 16199547), and loss-of-function variants in ITGB4 are known to be pathogenic (PMID: 11328943, 16473856). This variant is not present in population databases (gnomAD no frequency). In summary, the currently available evidence indicates that the variant is pathogenic, but additional data are needed to prove that conclusively. Therefore, this variant has been classified as Likely Pathogenic.

Literature cited by the submitters: PubMed 16199547; PubMed 11328943; PubMed 16473856.

NM_000213.5(ITGB4):c.5054-1G>C

Genes: ITGB4 (integrin subunit beta 4; plus strand), GALK1 (galactokinase 1; minus strand). Cytogenetic location: 17q25.1.
Variant type: single nucleotide variant.
Coding change: c.5054-1G>C on transcript NM_000213.5 (MANE Select); the canonical splice acceptor site of the intron before coding-DNA position 5054, G replaced by C.
Molecular consequence: splice acceptor variant. On other transcripts: intron variant (1).
Genome position (GRCh38, 1-based): chr17:75,756,942, G>C. VCF-style: chr17-75756942-G-C. GRCh37 (hg19) VCF-style: chr17-73753023-G-C.
Other names: c.5003-1G>C (NM_001005619.2); c.4844-1G>C (NM_001005731.3, NM_001321123.2); c.4694-1G>C (NM_001438834.1); c.*22+1092C>G (NM_001381985.1).
Identifiers: ClinVar variation 2747776 (VCV002747776.3), dbSNP rs1176100000, ClinGen allele CA401092440.